The following is an entry in ClinVar:

NM_000489.6(ATRX):c.736C>T (p.Arg246Cys)

Gene: ATRX (ATRX chromatin remodeler; minus strand). Cytogenetic location: Xq21.1.
Variant type: single nucleotide variant.
Coding change: c.736C>T on transcript NM_000489.6 (MANE Select); coding-DNA position 736, C replaced by T.
Protein change: p.Arg246Cys; replaces arginine 246 with cysteine.
Molecular consequence: missense variant.
Genome position (GRCh38, 1-based): chrX:77,684,520, G>A on the plus strand (C>T on the coding strand, the complement: ATRX is on the minus strand). VCF-style: chrX-77684520-G-A. GRCh37 (hg19) VCF-style: chrX-76940012-G-A.
Other names: c.622C>T, p.Arg208Cys (NM_138270.5); short protein forms R246C, R208C.
Identifiers: ClinVar variation 11735 (VCV000011735.79), dbSNP rs122445105, ClinGen allele CA204872.

ClinVar aggregate classification (germline): Pathogenic/Likely pathogenic. Review status: criteria provided, multiple submitters, no conflicts (2 of 4 stars). 18 submissions from 18 submitters: Pathogenic (12); Likely pathogenic (1). 5 of the submissions do not count toward it. Last evaluated 2024-06-17.

Conditions:
Renier-Gabreels-Jasper syndrome. Identifiers: MedGen CN282407, MONDO:0019779.
Inborn genetic diseases. Identifiers: MedGen C0950123, MeSH D030342.
Intellectual disability-hypotonic facies syndrome, X-linked, 1 (MRXHF1). Also called: X-linked intellectual disability-hypotonic face syndrome; Smith Fineman Myers syndrome 1; CHUDLEY-LOWRY SYNDROME; Chudley syndrome 1; Chudley-Lowry-Hoar syndrome; Carpenter-Waziri syndrome. Identifiers: Orphanet 73220, Orphanet 93970, Orphanet 93971, Orphanet 93972, Orphanet 93973, Orphanet 93974, Orphanet 93975, MedGen C4759781, MONDO:0010663, OMIM 309580.
Alpha thalassemia-X-linked intellectual disability syndrome (ATRX). Also called: ALPHA-THALASSEMIA/MENTAL RETARDATION SYNDROME, X-LINKED; X-linked alpha-thalassemia-mental retardation syndrome; ATR, NONDELETION TYPE; ALPHA-THALASSEMIA/IMPAIRED INTELLECTUAL DEVELOPMENT SYNDROME, X-LINKED; ATR-X syndrome; Alpha thalassemia mental retardation syndrome, nondeletion type, X-linked. Identifiers: Orphanet 847, MedGen C1845055, MONDO:0010519, OMIM 301040.
Acquired hemoglobin H disease (ATMDS). Also called: Alpha-thalassemia myelodysplasia syndrome; Alpha-thalassemia-myelodysplastic syndrome; Alpha-thalassemia myelodysplasia syndrome, somatic. Identifiers: Orphanet 231401, MedGen C0585216, MONDO:0010328, OMIM 300448.

Allele frequency attached by ClinVar (database versions not stated): gnomAD exomes below 0.00001.
gnomAD v4.1: 2 of 1,210,335 alleles (0.00017%); highest among the groups gnomAD compares: Non-Finnish European, 0.00022%; no homozygotes.

Submissions 1 to 11 of 18:

Labcorp Genetics (formerly Invitae), Labcorp
Classification: Pathogenic for Alpha thalassemia-X-linked intellectual disability syndrome. Last evaluated: 2024-06-17. Review status: criteria provided, single submitter. Criteria: Invitae Variant Classification Sherloc (09022015). Collection method: clinical testing. Allele origin: germline.
Comment: This sequence change replaces arginine, which is basic and polar, with cysteine, which is neutral and slightly polar, at codon 246 of the ATRX protein (p.Arg246Cys). This variant is not present in population databases (gnomAD no frequency). This missense change has been observed in individual(s) with alpha-thalassemia X-linked intellectual disability syndrome (PMID: 9326931, 16955409, 20500465, 24327140). In at least one individual the variant was observed to be de novo. It has also been observed to segregate with disease in related individuals. This variant is also known as p.Arg129Cys. ClinVar contains an entry for this variant (Variation ID: 11735). Advanced modeling of protein sequence and biophysical properties (such as structural, functional, and spatial information, amino acid conservation, physicochemical variation, residue mobility, and thermodynamic stability) has been performed at Invitae for this missense variant, however the output from this modeling did not meet the statistical confidence thresholds required to predict the impact of this variant on ATRX protein function. For these reasons, this variant has been classified as Pathogenic.

Illumina Laboratory Services, Illumina
Classification: Pathogenic for Alpha thalassemia-X-linked intellectual disability syndrome. Last evaluated: 2024-03-06. Review status: criteria provided, single submitter. Criteria: ICSLVariantClassificationCriteria RUGD 01 April 2020. Collection method: clinical testing. Allele origin: unknown.
Comment: The ATRX c.736C>T p.(Arg246Cys) missense variant, also referred to as p.(Arg208Cys), has been reported in individuals with phenotypes consistent with alpha-thalassemia X-linked intellectual disability syndrome (PMID: 10995512; 20500465; 25590979; 31130284). This variant has been shown to segregate with disease and is not observed at a significant frequency in version 2.1.1 or version 4.0.0 of the Genome Aggregation Database. Additionally, a different amino acid substitution at the same codon, p.(Arg246Leu), classified as a variant of uncertain significance has been reported in an individual with ATR-X syndrome (PMID: 10204841). Functional assays demonstrated that the p.(Arg246Cys) variant impacts protein expression and function (PMID: 21421568). This variant is located in a critical region (PMID: 21421568) and multiple lines of computational evidence suggest the variant may impact the gene or gene product. Based on the available evidence, the c.736C>T p.(Arg246Cys) variant is classified as pathogenic for alpha-thalassemia X-linked intellectual disability syndrome.

Division of Human Genetics, National Health Laboratory Service/University of the Witwatersrand
Classification: Pathogenic for Alpha thalassemia-X-linked intellectual disability syndrome. Last evaluated: 2023-07-01. Review status: criteria provided, single submitter. Criteria: ACMG Guidelines, 2015. Collection method: research. Allele origin: germline. Affected: yes.

GeneDx
Classification: Pathogenic. Last evaluated: 2022-05-19. Review status: criteria provided, single submitter. Criteria: GeneDx Variant Classification Process June 2021. Collection method: clinical testing. Allele origin: germline. Affected: yes.
Comment: Published functional studies demonstrate a damaging effect (Iwase et al., 2011; Dhayalan et al., 2011); Not observed in large population cohorts (gnomAD); In silico analysis supports that this missense variant has a deleterious effect on protein structure/function; This variant is associated with the following publications: (PMID: 16955409, 27899421, 25590979, 9326931, 20500465, 24327140, 21666679, 21421568, 31130284, 32369273, 34051360, 17609377, 18409179)

3billion
Classification: Pathogenic for Intellectual disability-hypotonic facies syndrome, X-linked, 1. Last evaluated: 2022-01-03. Review status: criteria provided, single submitter. Criteria: ACMG Guidelines, 2015. Collection method: clinical testing. Allele origin: germline. Affected: yes. Observed: 1 hemizygote.
Comment: The variant has been observed in multiple (>3) similarly affected unrelated individuals (PMID: 16955409, 20500465, 31130284, PS4_S). The variant was co-segregated with Mental retardation-hypotonic facies syndrome, X-linked in multiple affected family members (PMID: 20500465, PP1_P). In silico tool predictions suggest damaging effect of the variant on gene or gene product (REVEL: 0.972, 3CNET: 0.905, PP3_P). A missense variant is a common mechanism associated with Mental retardation-hypotonic facies syndrome (PP2_P). It is not observed in the gnomAD v2.1.1 dataset (PM2_M). A different missense change at the same codon has been reported to be associated with ATRX related disorder (PMID:10660327, PM5_P). Therefore, this variant is classified as pathogenic according to the recommendation of ACMG/AMP guideline.

Institute of Medical Genetics and Applied Genomics, University Hospital Tübingen
Classification: Pathogenic. Last evaluated: 2020-10-23. Review status: criteria provided, single submitter. Criteria: ACMG Guidelines, 2015. Collection method: clinical testing. Allele origin: germline. Inheritance: X-linked inheritance. Affected: yes.

Women's Health and Genetics/Laboratory Corporation of America, LabCorp
Classification: Pathogenic for Alpha thalassemia-X-linked intellectual disability syndrome. Last evaluated: 2020-10-15. Review status: criteria provided, single submitter. Criteria: LabCorp Variant Classification Summary - May 2015. Collection method: clinical testing. Allele origin: germline.
Comment: Variant summary: ATRX c.736C>T (p.Arg246Cys) results in a non-conservative amino acid change located in the ADD (Zinc finger) domain (IPR025766) of the encoded protein sequence. Five of five in-silico tools predict a damaging effect of the variant on protein function. The variant was absent in 181349 control chromosomes. c.736C>T has been reported in the literature in multiple individuals affected with ATR-X Syndrome (example, Gibbons_1997, Wada_2000, Badens_2006, Pavone_2010, Monies_2019, Zhu_2015). These data indicate that the variant is very likely to be associated with disease. To our knowledge, no experimental evidence demonstrating an impact on protein function has been reported. Six clinical diagnostic laboratories have submitted clinical-significance assessments for this variant to ClinVar after 2014 without evidence for independent evaluation. All laboratories classified the variant as pathogenic (n=5)/likely pathogenic(n=1). Based on the evidence outlined above, the variant was classified as pathogenic.

Fulgent Genetics
Classification: Pathogenic for Acquired hemoglobin H disease; Alpha thalassemia-X-linked intellectual disability syndrome; Intellectual disability-hypotonic facies syndrome, X-linked, 1. Last evaluated: 2018-10-31. Review status: criteria provided, single submitter. Criteria: ACMG Guidelines, 2015. Collection method: clinical testing. Allele origin: unknown.

CeGaT Center for Human Genetics Tuebingen
Classification: Pathogenic. Last evaluated: 2018-08-01. Review status: criteria provided, single submitter. Criteria: CeGaT Center For Human Genetics Tuebingen Variant Classification Criteria Version 2. Collection method: clinical testing. Allele origin: germline. Affected: yes. Observed: 2 variant alleles.

Center for Human Genetics, Inc
Classification: Pathogenic for Alpha thalassemia-X-linked intellectual disability syndrome. Last evaluated: 2016-11-01. Review status: criteria provided, single submitter. Criteria: ACMG Guidelines, 2015. Collection method: clinical testing. Allele origin: germline. Affected: yes.

Eurofins Ntd Llc (ga)
Classification: Pathogenic. Last evaluated: 2014-01-30. Review status: criteria provided, single submitter. Criteria: EGL Classification Definitions 2015. Collection method: clinical testing. Allele origin: germline. Observed: 5 variant alleles, 2 heterozygotes, 3 hemizygotes.